The following is an entry in ClinVar:

ClinVar aggregate classification (germline): Likely benign (1 of 4 stars; one submission).

Conditions:
Tuberous sclerosis 2 (TSC2). Identifiers: Orphanet 805, MedGen C1860707, MONDO:0013199, OMIM 613254.

Submission:

Myriad Genetics, Inc.
Classification: Likely benign for Tuberous sclerosis 2. Last evaluated: 2025-05-13. Review status: criteria provided, single submitter. Criteria: Myriad Autosomal Dominant, Autosomal Recessive and X-Linked Classification Criteria (2023). Collection method: clinical testing. Allele origin: unknown.
Comment: This variant is considered likely benign. This variant is intronic and is not expected to impact mRNA splicing.

NM_000548.5(TSC2):c.1120-14G>A

Gene: TSC2 (TSC complex subunit 2; plus strand). Cytogenetic location: 16p13.3.
Variant type: single nucleotide variant.
Coding change: c.1120-14G>A on transcript NM_000548.5 (MANE Select); 14 bases into the intron before coding-DNA position 1120, G replaced by A.
Molecular consequence: intron variant.
Genome position (GRCh38, 1-based): chr16:2,061,857, G>A. VCF-style: chr16-2061857-G-A. GRCh37 (hg19) VCF-style: chr16-2111858-G-A.
Other names: c.-225-14G>A (NM_001406693.1, NM_001406689.1, NM_001406690.1 and 4 more transcripts); c.1210-14G>A (NM_001406667.1, NM_001406668.1); c.520-14G>A (NM_001406680.1, NM_001406683.1, NM_001406687.1 and 6 more transcripts); c.-401-14G>A (NM_001406698.1); c.1120-14G>A (NM_001114382.3, NM_001406663.1, NM_001406664.1 and 6 more transcripts); c.1108-14G>A (NM_001406671.1, NM_001406673.1); c.-193-14G>A (NM_001406694.1, NM_001406695.1); c.658-14G>A (NM_001406681.1); and 4 more.
Identifiers: ClinVar variation 4071200 (VCV004071200.1).